The following is an entry in ClinVar:

ClinVar aggregate classification (germline): Benign. Review status: criteria provided, single submitter (1 of 4 stars). 2 submissions from 2 submitters: Benign (1). 1 of the submissions does not count toward it. Last evaluated 2025-12-09.

Conditions:
Rubinstein-Taybi syndrome (RSTS). Identifiers: Orphanet 783, MedGen C0035934, MONDO:0019188.
CREBBP-related disorder. Also called: CREBBP-related disorders; CREBBP-related condition.

Allele frequency attached by ClinVar (database versions not stated): ExAC 0.00001; gnomAD 0.00001; gnomAD exomes 0.00001; TOPMed 0.00001.
gnomAD v4.1: 16 of 1,613,648 alleles (0.00099%); highest among the groups gnomAD compares: African/African-American, 0.0053%; no homozygotes.

Submissions (2):

Labcorp Genetics (formerly Invitae), Labcorp
Classification: Benign for Rubinstein-Taybi syndrome. Last evaluated: 2025-12-09. Review status: criteria provided, single submitter. Criteria: Invitae Variant Classification Sherloc (09022015). Collection method: clinical testing. Allele origin: germline.

PreventionGenetics, part of Exact Sciences
Classification: Likely benign for CREBBP-related condition. Last evaluated: 2023-04-13. Review status: no assertion criteria provided. Collection method: clinical testing. Allele origin: germline. Not counted in ClinVar's aggregate classification.
Comment: This variant is classified as likely benign based on ACMG/AMP sequence variant interpretation guidelines (Richards et al. 2015 PMID: 25741868, with internal and published modifications).

NM_004380.3(CREBBP):c.3459C>T (p.Tyr1153=)

Gene: CREBBP (CREB binding lysine acetyltransferase; minus strand). Cytogenetic location: 16p13.3.
Variant type: single nucleotide variant.
Coding change: c.3459C>T on transcript NM_004380.3 (MANE Select); coding-DNA position 3459, C replaced by T.
Protein change: p.Tyr1153=; no amino-acid change (tyrosine 1153 retained).
Molecular consequence: synonymous variant.
Genome position (GRCh38, 1-based): chr16:3,757,959, G>A on the plus strand (C>T on the coding strand, the complement: CREBBP is on the minus strand). VCF-style: chr16-3757959-G-A. GRCh37 (hg19) VCF-style: chr16-3807960-G-A.
Other names: c.3459C>T (NM_004380.2); c.3345C>T, p.Tyr1115= (NM_001079846.1).
Identifiers: ClinVar variation 2961959 (VCV002961959.4), dbSNP rs754153611, ClinGen allele CA7869810.